The following is an entry in ClinVar:

ClinVar aggregate classification (germline): Pathogenic (1 of 4 stars; one submission).

Submission:

Labcorp Genetics (formerly Invitae), Labcorp
Classification: Pathogenic. Last evaluated: 2023-11-24. Review status: criteria provided, single submitter. Criteria: Invitae Variant Classification Sherloc (09022015). Collection method: clinical testing. Allele origin: germline.
Comment: This sequence change creates a premature translational stop signal (p.Phe119Leufs*25) in the TANGO2 gene. It is expected to result in an absent or disrupted protein product. Loss-of-function variants in TANGO2 are known to be pathogenic (PMID: 26805781, 26805782). This variant is not present in population databases (gnomAD no frequency). This variant has not been reported in the literature in individuals affected with TANGO2-related conditions. For these reasons, this variant has been classified as Pathogenic.

Literature cited by the submitters: PubMed 26805781; PubMed 26805782.

NM_152906.7(TANGO2):c.357_358del (p.Phe119fs)

Gene: TANGO2 (transport and golgi organization 2 homolog; plus strand). Cytogenetic location: 22q11.21.
Variant type: Deletion.
Coding change: c.357_358del on transcript NM_152906.7 (MANE Select); coding-DNA positions 357 to 358, 2 bases deleted (CA; older notation c.357_358delCA).
Protein change: p.Phe119fs; shifts the reading frame from phenylalanine 119.
Molecular consequence: frameshift variant. On other transcripts: intron variant (18), non-coding transcript variant (1).
Genome position (GRCh38, 1-based): chr22:20,053,528-20,053,529, CA deleted. VCF-style (leftmost placement, unchanged base first): chr22-20053527-TCA-T. GRCh37 (hg19) VCF-style: chr22-20041050-TCA-T.
Other names: c.86+944_86+945del (NM_001322150.2, NM_001322173.2, NM_001322153.2 and 6 more transcripts); c.388+944_388+945del (NM_001322147.2, NM_001322145.2); c.265+944_265+945del (NM_001283186.3, NM_001322169.2, NM_001283248.3 and 4 more transcripts); c.357_358del, p.Phe119fs (NM_001283106.3, NM_001283116.3, NM_001283148.3 and 3 more transcripts); c.480_481del, p.Phe160fs (NM_001283129.3, NM_001283215.3, NM_001322141.2 and 3 more transcripts); c.255_256del, p.Phe85fs (NM_001322146.2, NM_001322148.2, NM_001322160.2); short protein forms F119fs, F160fs, F85fs.
Identifiers: ClinVar variation 2710212 (VCV002710212.3), dbSNP rs2518826842, ClinGen allele CA2697547678.